The following is an entry in ClinVar:

NM_001100.4(ACTA1):c.1127G>T (p.Cys376Phe)

Gene: ACTA1 (actin alpha 1, skeletal muscle; minus strand). Cytogenetic location: 1q42.13.
Variant type: single nucleotide variant.
Coding change: c.1127G>T on transcript NM_001100.4 (MANE Select); coding-DNA position 1127, G replaced by T.
Protein change: p.Cys376Phe; replaces cysteine 376 with phenylalanine.
Molecular consequence: missense variant.
Genome position (GRCh38, 1-based): chr1:229,431,506, C>A on the plus strand (G>T on the coding strand, the complement: ACTA1 is on the minus strand). VCF-style: chr1-229431506-C-A. GRCh37 (hg19) VCF-style: chr1-229567253-C-A.
Other names: NM_001100.4(ACTA1):c.1127G>T; p.Cys376Phe; short protein forms C376F.
Identifiers: ClinVar variation 801630 (VCV000801630.8), dbSNP rs1571892196, ClinGen allele CA345144073.
Genomic context (GRCh38, chr1:229,431,506, plus strand): 5'-CCATTGAGAAGATTCGTCGTCCTGAGAAGTCGCGTGCTGGAGGTGGAGTGTGTCTAGAAG[C>A]ATTTGCGGTGGACGATGGAAGGGCCGGCCTCGTCGTACTCCTGCTTGGTGATCCACATCT-3'
Protein context (NP_001091.1, residues 366-377): EAGPSIVHRK[Cys376Phe]F

ClinVar aggregate classification (germline): Likely pathogenic. Review status: reviewed by expert panel (3 of 4 stars). 3 submissions from 3 submitters: Likely pathogenic (1). 2 of the submissions do not count toward it. Last evaluated 2024-08-27.

Conditions:
Alpha-actinopathy. Also called: Actinopathy. Identifiers: MedGen CN295279, MONDO:0100084.
Actin accumulation myopathy (CMYO2A). Also called: Myopathy, actin, congenital, with excess of thin myofilaments; CONGENITAL MYOPATHY 2A, TYPICAL, AUTOSOMAL DOMINANT; Nemaline myopathy type 3; Myopathy, actin, congenital, with cores; Nemaline myopathy 3, with intranuclear rods. Identifiers: Orphanet 98904, MedGen C3711389, MONDO:0008070, OMIM 161800.

Submissions (3):

ClinGen Congenital Myopathies Variant Curation Expert Panel, ClinGen
Classification: Likely pathogenic for Alpha-actinopathy. Last evaluated: 2024-08-27. Review status: reviewed by expert panel. Criteria: ClinGen CongenMyopathy ACMG Specifications ACTA1_AD_ V2.0.0. Collection method: curation. Allele origin: germline. Inheritance: Autosomal dominant inheritance.
Comment: The variant NM_001100.4:c.1127G>T in ACTA1 is a missense variant predicted to cause substitution of cysteine by phenylalanine at amino acid 376 (p.Cys376Phe) in exon 7/7. The variant is absent from gnomAD v4.1.1 with adequate coverage (PM2_Supporting). The REVEL computational prediction analysis tool gives a score of 0.955, which is above the threshold necessary to apply PP3. In addition, ACTA1, in which the variant was identified, is defined by the ClinGen Congenital Myopathies VCEP as a gene that has a low rate of benign missense variation and where pathogenic missense variants are a common mechanism of disease (PP2). This variant has been reported as a de novo observation with confirmed parental relationships in one proband with features associated with congenital myopathy which meets the criteria for PS2 (Invitae, SCV002228646.2). Another missense variant c.1127G>C (p.Cys376Ser) in the same codon is classified as pathogenic for autosomal dominant alpha-actinopathy (PM5, PMIDs:25890230, 19562689). In summary, the variant meets the criteria to be classified as likely pathogenic for autosomal dominant alpha-actinopathy. ACMG/AMP criteria met, as specified by the ClinGen Congenital Myopathies VCEP: PS2, PM5, PP2, PP3, PM2_Supporting (ClinGen Congenital Myopathies VCEP specifications version 2; 08/27/2024).

Labcorp Genetics (formerly Invitae), Labcorp
Classification: Pathogenic for Actin accumulation myopathy. Last evaluated: 2022-07-25. Review status: criteria provided, single submitter. Criteria: Invitae Variant Classification Sherloc (09022015). Collection method: clinical testing. Allele origin: germline. Not counted in ClinVar's aggregate classification.
Comment: Advanced modeling of protein sequence and biophysical properties (such as structural, functional, and spatial information, amino acid conservation, physicochemical variation, residue mobility, and thermodynamic stability) performed at Invitae indicates that this missense variant is expected to disrupt ACTA1 protein function. For these reasons, this variant has been classified as Pathogenic. ClinVar contains an entry for this variant (Variation ID: 801630). This missense change has been observed in individual(s) with clinical features of ACTA1-related conditions (Invitae). In at least one individual the variant was observed to be de novo. This variant is not present in population databases (gnomAD no frequency). This sequence change replaces cysteine, which is neutral and slightly polar, with phenylalanine, which is neutral and non-polar, at codon 376 of the ACTA1 protein (p.Cys376Phe).

Mendelics
Classification: Likely pathogenic for Actin accumulation myopathy. Last evaluated: 2019-05-28. Review status: criteria provided, single submitter. Criteria: Mendelics Assertion Criteria 2017. Collection method: clinical testing. Allele origin: unknown. Not counted in ClinVar's aggregate classification.